The following is an entry in ClinVar:

ClinVar aggregate classification (germline): Uncertain significance (1 of 4 stars; one submission).

gnomAD v4.1: 7 of 1,613,890 alleles (0.00043%); highest among the groups gnomAD compares: Non-Finnish European, 0.00059%; no homozygotes.

Submission:

Labcorp Genetics (formerly Invitae), Labcorp
Classification: Uncertain significance. Last evaluated: 2023-11-10. Review status: criteria provided, single submitter. Criteria: Invitae Variant Classification Sherloc (09022015). Collection method: clinical testing. Allele origin: germline.
Comment: This sequence change replaces serine, which is neutral and polar, with glycine, which is neutral and non-polar, at codon 453 of the IKZF1 protein (p.Ser453Gly). This variant is not present in population databases (gnomAD no frequency). This variant has not been reported in the literature in individuals affected with IKZF1-related conditions. Algorithms developed to predict the effect of missense changes on protein structure and function output the following: SIFT: "Not Available"; PolyPhen-2: "Benign"; Align-GVGD: "Not Available". The glycine amino acid residue is found in multiple mammalian species, which suggests that this missense change does not adversely affect protein function. In summary, the available evidence is currently insufficient to determine the role of this variant in disease. Therefore, it has been classified as a Variant of Uncertain Significance.

NM_006060.6(IKZF1):c.1357A>G (p.Ser453Gly)

Gene: IKZF1 (IKAROS family zinc finger 1; plus strand). Cytogenetic location: 7p12.2.
Variant type: single nucleotide variant.
Coding change: c.1357A>G on transcript NM_006060.6 (MANE Select); coding-DNA position 1357, A replaced by G.
Protein change: p.Ser453Gly; replaces serine 453 with glycine.
Molecular consequence: missense variant.
Genome position (GRCh38, 1-based): chr7:50,400,424, A>G. VCF-style: chr7-50400424-A-G. GRCh37 (hg19) VCF-style: chr7-50468122-A-G.
Other names: c.1231A>G, p.Ser411Gly (NM_001220765.3, NM_001291837.2); c.1066A>G, p.Ser356Gly (NM_001220767.2); c.1096A>G, p.Ser366Gly (NM_001220768.2, NM_001291838.2); c.940A>G, p.Ser314Gly (NM_001220770.2); c.928A>G, p.Ser310Gly (NM_001220771.2, NM_001291841.1); c.970A>G, p.Ser324Gly (NM_001291839.2); c.667A>G, p.Ser223Gly (NM_001291840.1); c.898A>G, p.Ser300Gly (NM_001291842.1); and 3 more; short protein forms S223G, S268G, S314G, S324G, S453G, S258G, S300G, S473G.
Identifiers: ClinVar variation 2779816 (VCV002779816.3), dbSNP rs748892029, ClinGen allele CA367524974.